The following is an entry in ClinVar:

NM_000548.5(TSC2):c.2639+8G>C

Gene: TSC2 (TSC complex subunit 2; plus strand). Cytogenetic location: 16p13.3.
Variant type: single nucleotide variant.
Coding change: c.2639+8G>C on transcript NM_000548.5 (MANE Select); 8 bases into the intron after coding-DNA position 2639, G replaced by C.
Molecular consequence: intron variant.
Genome position (GRCh38, 1-based): chr16:2,075,900, G>C. VCF-style: chr16-2075900-G-C. GRCh37 (hg19) VCF-style: chr16-2125901-G-C.
Other names: c.2639+8G>C (NM_001114382.3, NM_021055.3, NM_001370405.1 and 3 more transcripts); c.2528+8G>C (NM_001318827.2); c.2039+8G>C (NM_001318831.2); c.2492+8G>C (NM_001318829.2); c.2672+8G>C (NM_001318832.2).
Identifiers: ClinVar variation 1126418 (VCV001126418.10), dbSNP rs777033931, ClinGen allele CA2499223304.
Genomic context (GRCh38, chr16:2,075,900, plus strand): 5'-GAGCAGTATGCCAGTGTGTTCGCCATCTCCCTGCCGTACACCAACCCCTCCAAGTGAGTG[G>C]TCGCCCCAGGCCCTGTGCCTCCCAGCCGTGGCCCCCGCTAGGCCTTGCGGCAGAAAGCCC-3'

ClinVar aggregate classification (germline): Likely benign. Review status: criteria provided, multiple submitters, no conflicts (2 of 4 stars). 2 submissions from 2 submitters: Likely benign (2). Last evaluated 2025-05-20.

Conditions:
Tuberous sclerosis 2 (TSC2). Identifiers: Orphanet 805, MedGen C1860707, MONDO:0013199, OMIM 613254.

Submissions (2):

Myriad Genetics, Inc.
Classification: Likely benign for Tuberous sclerosis 2. Last evaluated: 2025-05-20. Review status: criteria provided, single submitter. Criteria: Myriad Autosomal Dominant, Autosomal Recessive and X-Linked Classification Criteria (2023). Collection method: clinical testing. Allele origin: unknown.
Comment: This variant is considered likely benign. This variant is intronic and is not expected to impact mRNA splicing.

Labcorp Genetics (formerly Invitae), Labcorp
Classification: Likely benign for Tuberous sclerosis 2. Last evaluated: 2019-11-12. Review status: criteria provided, single submitter. Criteria: Invitae Variant Classification Sherloc (09022015). Collection method: clinical testing. Allele origin: germline.